The following is an entry in ClinVar:

NM_005560.6(LAMA5):c.10117C>G (p.Arg3373Gly)

Gene: LAMA5 (laminin subunit alpha 5; minus strand). Cytogenetic location: 20q13.33.
Variant type: single nucleotide variant.
Coding change: c.10117C>G on transcript NM_005560.6 (MANE Select); coding-DNA position 10117, C replaced by G.
Protein change: p.Arg3373Gly; replaces arginine 3373 with glycine.
Molecular consequence: missense variant.
Genome position (GRCh38, 1-based): chr20:62,311,066, G>C on the plus strand (C>G on the coding strand, the complement: LAMA5 is on the minus strand). VCF-style: chr20-62311066-G-C. GRCh37 (hg19) VCF-style: chr20-60886122-G-C.
Other names: short protein forms R3373G.
Identifiers: ClinVar variation 2118486 (VCV002118486.4), dbSNP rs747107306, ClinGen allele CA9939911.

ClinVar aggregate classification (germline): Uncertain significance (1 of 4 stars; one submission).

gnomAD v4.1: 9 of 1,594,450 alleles (0.00056%); highest among the groups gnomAD compares: South Asian, 0.01%; 1 homozygote.

Submission:

Labcorp Genetics (formerly Invitae), Labcorp
Classification: Uncertain significance. Last evaluated: 2023-08-10. Review status: criteria provided, single submitter. Criteria: Invitae Variant Classification Sherloc (09022015). Collection method: clinical testing. Allele origin: germline.
Comment: In summary, the available evidence is currently insufficient to determine the role of this variant in disease. Therefore, it has been classified as a Variant of Uncertain Significance. This sequence change replaces arginine, which is basic and polar, with glycine, which is neutral and non-polar, at codon 3373 of the LAMA5 protein (p.Arg3373Gly). Advanced modeling of protein sequence and biophysical properties (such as structural, functional, and spatial information, amino acid conservation, physicochemical variation, residue mobility, and thermodynamic stability) performed at Invitae indicates that this missense variant is not expected to disrupt LAMA5 protein function. ClinVar contains an entry for this variant (Variation ID: 2118486). This variant has not been reported in the literature in individuals affected with LAMA5-related conditions. This variant is present in population databases (rs747107306, gnomAD 0.007%).